The following is an entry in ClinVar:

NM_015874.6(RBPJ):c.1332A>G (p.Ala444=)

Gene: RBPJ (recombination signal binding protein for immunoglobulin kappa J region; plus strand). Cytogenetic location: 4p15.2.
Variant type: single nucleotide variant.
Coding change: c.1332A>G on transcript NM_015874.6 (MANE Select); coding-DNA position 1332, A replaced by G.
Protein change: p.Ala444=; no amino-acid change (alanine 444 retained).
Molecular consequence: synonymous variant.
Genome position (GRCh38, 1-based): chr4:26,430,875, A>G. VCF-style: chr4-26430875-A-G. GRCh37 (hg19) VCF-style: chr4-26432497-A-G.
Other names: c.1266A>G, p.Ala422= (NM_001363577.2, NM_203283.5); c.1371A>G, p.Ala457= (NM_001374400.1, NM_005349.4); c.1329A>G, p.Ala443= (NM_001374401.1, NM_001374402.1, NM_001374403.1 and 3 more transcripts); c.1215A>G, p.Ala405= (NM_001379408.1); c.1170A>G, p.Ala390= (NM_001379409.1).
Identifiers: ClinVar variation 785798 (VCV000785798.16), dbSNP rs150367056, ClinGen allele CA2881534.

ClinVar aggregate classification (germline): Benign/Likely benign. Review status: criteria provided, multiple submitters, no conflicts (2 of 4 stars). 5 submissions from 5 submitters: Benign (2); Likely benign (2). 1 of the submissions does not count toward it. Last evaluated 2026-06-01.

Conditions:
RBPJ-related disorder. Also called: RBPJ-related condition.

Allele frequency attached by ClinVar (database versions not stated): ESP Exome Variant Server 0.00054; gnomAD 0.00061 and 0.00066; TOPMed 0.00073; gnomAD exomes 0.00084 and 0.00121; 1000 Genomes Project 0.00100; 1000 Genomes Project 30x 0.00109; ExAC 0.00110.
gnomAD v4.1: 1,387 of 1,614,114 alleles (0.086%); highest among the groups gnomAD compares: Middle Eastern, 1.9%; 11 homozygotes.

Submissions (5):

CeGaT Center for Human Genetics Tuebingen
Classification: Likely benign. Last evaluated: 2026-06-01. Review status: criteria provided, single submitter. Criteria: CeGaT Center For Human Genetics Tuebingen Variant Classification Criteria Version 2. Collection method: clinical testing. Allele origin: germline. Affected: yes. Observed: 1 variant allele.
Comment: RBPJ: BP4, BP7

Labcorp Genetics (formerly Invitae), Labcorp
Classification: Benign. Last evaluated: 2025-11-28. Review status: criteria provided, single submitter. Criteria: Invitae Variant Classification Sherloc (09022015). Collection method: clinical testing. Allele origin: germline.

Blueprint Genetics
Classification: Likely benign. Last evaluated: 2024-11-26. Review status: criteria provided, single submitter. Criteria: ACMG Guidelines, 2015. Collection method: clinical testing. Allele origin: germline.

Breakthrough Genomics
Classification: Benign. Review status: criteria provided, single submitter. Criteria: ACMG Guidelines, 2015. Collection method: not provided. Allele origin: germline. Inheritance: Autosomal dominant inheritance. Affected: yes.

PreventionGenetics, part of Exact Sciences
Classification: Benign for RBPJ-related condition. Last evaluated: 2019-07-03. Review status: no assertion criteria provided. Collection method: clinical testing. Allele origin: germline. Not counted in ClinVar's aggregate classification.
Comment: This variant is classified as benign based on ACMG/AMP sequence variant interpretation guidelines (Richards et al. 2015 PMID: 25741868, with internal and published modifications).